The following is an entry in ClinVar:

ClinVar aggregate classification (germline): Uncertain significance. Review status: criteria provided, single submitter (1 of 4 stars). 2 submissions from 2 submitters: Uncertain significance (1). 1 of the submissions does not count toward it. Last evaluated 2025-06-13.

Conditions:
Abnormality of neuronal migration. Identifiers: MedGen C1837249, HP:0002269.

Allele frequency attached by ClinVar (database versions not stated): ESP Exome Variant Server 0.00008; TOPMed 0.00009; gnomAD 0.00009 and 0.00008; gnomAD exomes 0.00010 and 0.00015; ExAC 0.00013.
gnomAD v4.1: 150 of 1,559,290 alleles (0.0096%); highest among the groups gnomAD compares: Admixed American, 0.052%; no homozygotes.

Submissions (2):

Labcorp Genetics (formerly Invitae), Labcorp
Classification: Uncertain significance. Last evaluated: 2025-06-13. Review status: criteria provided, single submitter. Criteria: Invitae Variant Classification Sherloc (09022015). Collection method: clinical testing. Allele origin: germline.
Comment: This sequence change replaces valine, which is neutral and non-polar, with methionine, which is neutral and non-polar, at codon 656 of the TNK2 protein (p.Val656Met). This variant is present in population databases (rs375205272, gnomAD 0.08%), and has an allele count higher than expected for a pathogenic variant. This variant has not been reported in the literature in individuals affected with TNK2-related conditions. ClinVar contains an entry for this variant (Variation ID: 208959). An algorithm developed to predict the effect of missense changes on protein structure and function (PolyPhen-2) suggests that this variant is likely to be tolerated. In summary, the available evidence is currently insufficient to determine the role of this variant in disease. Therefore, it has been classified as a Variant of Uncertain Significance.

Génétique et pathophysiologie de maladies neurodéveloppementales et épileptogènes, Institut de génétique et de biologie moléculaire et cellulaire
Classification: Benign for Malformation of Cortical Development. Last evaluated: 2014-10-31. Review status: no assertion criteria provided. Collection method: clinical testing. Allele origin: unknown. Affected: yes. Observed: 1 variant allele, 1 compound heterozygote. Not counted in ClinVar's aggregate classification.

NM_001382273.1(TNK2):c.1777G>A (p.Val593Met)

Gene: TNK2 (tyrosine kinase non receptor 2; minus strand). Cytogenetic location: 3q29.
Variant type: single nucleotide variant.
Coding change: c.1777G>A on transcript NM_001382273.1 (MANE Select); coding-DNA position 1777, G replaced by A.
Protein change: p.Val593Met; replaces valine 593 with methionine.
Molecular consequence: missense variant. On other transcripts: non-coding transcript variant (15).
Genome position (GRCh38, 1-based): chr3:195,868,521, C>T on the plus strand (G>A on the coding strand, the complement: TNK2 is on the minus strand). VCF-style: chr3-195868521-C-T. GRCh37 (hg19) VCF-style: chr3-195595392-C-T.
Other names: c.1732G>A, p.Val578Met (NM_001387709.1, NM_001387710.1, NM_001387711.1 and 8 more transcripts); c.1804G>A, p.Val602Met (NM_001387715.1, NM_001387708.1); c.1777G>A, p.Val593Met (NM_001387716.1, NM_001387717.1, NM_001387718.1 and 1 more transcripts); c.1849G>A, p.Val617Met (NM_001010938.2, NM_001382272.1); c.1828G>A, p.Val610Met (NM_001308046.2, NM_001382271.1); c.1873G>A, p.Val625Met (NM_001382275.1, NM_001387707.1); short protein forms V578M, V617M, V610M, V593M, V602M, V625M.
Identifiers: ClinVar variation 208959 (VCV000208959.4), dbSNP rs375205272, ClinGen allele CA210179.